The following is an entry in ClinVar:

ClinVar aggregate classification (germline): Uncertain significance (1 of 4 stars; one submission).

gnomAD v4.1: 1 of 1,614,074 alleles (0.000062%); highest among the groups gnomAD compares: Non-Finnish European, 0.000085%; no homozygotes.

Submission:

Dasa
Classification: Uncertain significance. Last evaluated: 2025-02-02. Review status: criteria provided, single submitter. Criteria: DASA Assertion Criteria. Collection method: clinical testing. Allele origin: germline.
Comment: NM_018646.6(TRPV6):c.1718C>A (p.Thr573Asn) is a missense variant that results in the substitution of threonine with asparagine. This variant is rare in population databases. The currently available literature and clinical evidence are not sufficient to establish a definitive association between this variant and the reported condition. Therefore, this variant is classified as a variant of uncertain significance.

NM_018646.6(TRPV6):c.1718C>A (p.Thr573Asn)

Gene: TRPV6 (transient receptor potential cation channel subfamily V member 6; minus strand). Cytogenetic location: 7q34.
Variant type: single nucleotide variant.
Coding change: c.1718C>A on transcript NM_018646.6 (MANE Select); coding-DNA position 1718, C replaced by A.
Protein change: p.Thr573Asn; replaces threonine 573 with asparagine.
Molecular consequence: missense variant.
Genome position (GRCh38, 1-based): chr7:142,873,638, G>T on the plus strand (C>A on the coding strand, the complement: TRPV6 is on the minus strand). VCF-style: chr7-142873638-G-T. GRCh37 (hg19) VCF-style: chr7-142571391-G-T.
Other names: short protein forms T573N.
Identifiers: ClinVar variation 4885007 (VCV004885007.2).